The following is an entry in ClinVar:

NM_182920.2(ADAMTS9):c.1793G>T (p.Gly598Val)

Gene: ADAMTS9 (ADAM metallopeptidase with thrombospondin type 1 motif 9; minus strand). Cytogenetic location: 3p14.1.
Variant type: single nucleotide variant.
Coding change: c.1793G>T on transcript NM_182920.2 (MANE Select); coding-DNA position 1793, G replaced by T.
Protein change: p.Gly598Val; replaces glycine 598 with valine.
Molecular consequence: missense variant.
Genome position (GRCh38, 1-based): chr3:64,641,911, C>A on the plus strand (G>T on the coding strand, the complement: ADAMTS9 is on the minus strand). VCF-style: chr3-64641911-C-A. GRCh37 (hg19) VCF-style: chr3-64627587-C-A.
Other names: c.1709G>T, p.Gly570Val (NM_001318781.2); short protein forms G598V, G570V.
Identifiers: ClinVar variation 789988 (VCV000789988.12), dbSNP rs33998556, ClinGen allele CA2481412.

ClinVar aggregate classification (germline): Benign. Review status: criteria provided, multiple submitters, no conflicts (2 of 4 stars). 3 submissions from 3 submitters: Benign (2). 1 of the submissions does not count toward it. Last evaluated 2025-11-03.

Conditions:
ADAMTS9-related disorder. Also called: ADAMTS9-related condition.

Allele frequency attached by ClinVar (database versions not stated): gnomAD exomes 0.00058 and 0.00168; ExAC 0.00203; gnomAD 0.00657 and 0.00703; TOPMed 0.00756; 1000 Genomes Project 0.00759; ESP Exome Variant Server 0.00784; 1000 Genomes Project 30x 0.00874.
gnomAD v4.1: 1,887 of 1,614,092 alleles (0.12%); highest among the groups gnomAD compares: African/African-American, 2.2%; 12 homozygotes.

Submissions (4):

Labcorp Genetics (formerly Invitae), Labcorp
Classification: Benign. Last evaluated: 2025-11-03. Review status: criteria provided, single submitter. Criteria: Invitae Variant Classification Sherloc (09022015). Collection method: clinical testing. Allele origin: germline.

Breakthrough Genomics
Classification: Benign. Review status: criteria provided, single submitter. Criteria: ACMG Guidelines, 2015. Collection method: not provided. Allele origin: germline. Inheritance: Unknown mechanism. Affected: yes.

PreventionGenetics, part of Exact Sciences
Classification: Benign for ADAMTS9-related condition. Last evaluated: 2019-06-04. Review status: no assertion criteria provided. Collection method: clinical testing. Allele origin: germline. Not counted in ClinVar's aggregate classification.
Comment: This variant is classified as benign based on ACMG/AMP sequence variant interpretation guidelines (Richards et al. 2015 PMID: 25741868, with internal and published modifications).

Dr. Peter K. Rogan Lab, Western University
No classification provided (evidence only). Condition: Sarcoma. Review status: no classification provided. Collection method: in vitro. Allele origin: not applicable. Functional consequence: retained intron. Not counted in ClinVar's aggregate classification.